The following is an entry in ClinVar:

NM_033225.6(CSMD1):c.9214_9219del (p.Val3072_Thr3073del)

Genes: CSMD1 (CUB and Sushi multiple domains 1; minus strand), LOC105377785 (uncharacterized LOC105377785; plus strand). Cytogenetic location: 8p23.2.
Variant type: Deletion.
Coding change: c.9214_9219del on transcript NM_033225.6 (MANE Select); coding-DNA positions 9214 to 9219, 6 bases deleted (GTCACA; older notation c.9214_9219delGTCACA).
Protein change: p.Val3072_Thr3073del.
Molecular consequence: inframe deletion.
Genome position (GRCh38, 1-based): chr8:2,965,836-2,965,841, TGTGAC deleted on the plus strand (GTCACA on the coding strand, the reverse complement: CSMD1 is on the minus strand); deleting any 6 consecutive bases within chr8:2,965,836-2,965,843 gives the same sequence; the c. name uses the placement nearest the transcript's 3' end. VCF-style (leftmost placement, unchanged base first): chr8-2965835-ATGTGAC-A. GRCh37 (hg19) VCF-style: chr8-2823357-ATGTGAC-A.
Identifiers: ClinVar variation 2630700 (VCV002630700.2), dbSNP rs1434889769, ClinGen allele CA850594739.

ClinVar aggregate classification (germline): Uncertain significance (1 of 4 stars; one submission).

Conditions:
CSMD1-related disorder. Also called: CSMD1-related condition.

Submission:

PreventionGenetics, part of Exact Sciences
Classification: Uncertain significance for CSMD1-related condition. Last evaluated: 2025-07-14. Review status: criteria provided, single submitter. Criteria: ACMG Guidelines, 2015. Collection method: clinical testing. Allele origin: germline.
Comment: The CSMD1 c.9214_9219del6 variant is predicted to result in an in-frame deletion (p.Val3072_Thr3073del). To our knowledge, this variant has not been reported in the literature or in a large population database (gnomAD), indicating it is rare. At this time, the clinical significance of this variant is uncertain due to the absence of conclusive functional and genetic evidence.